The following is an entry in ClinVar:

ClinVar aggregate classification (germline): Conflicting classifications of pathogenicity. Review status: criteria provided, conflicting classifications (1 of 4 stars). 5 submissions from 5 submitters: Pathogenic (1); Likely pathogenic (2); Uncertain significance (1). 1 of the submissions does not count toward it. Last evaluated 2026-07-24.

Conditions:
Rhizomelic chondrodysplasia punctata (RCDP). Identifiers: Orphanet 177, MedGen C0282529, MONDO:0015776. Disease mechanism: loss of function.
Peroxisome biogenesis disorder 9B. Also called: PEX7-Related Refsum Disease; PEROXISOME BIOGENESIS DISORDER, PEX7-RELATED, ATYPICAL; Refsum disease, adult, 2. Identifiers: Orphanet 773, MedGen C2749346, MONDO:0013945, OMIM 614879.
Peroxisome biogenesis disorder. Identifiers: Orphanet 79189, MedGen C1832200, MONDO:0019234. Disease mechanism: loss of function.
Rhizomelic chondrodysplasia punctata type 1 (RCDP1). Also called: CHONDRODYSTROPHIA CALCIFICANS PUNCTATA; PEROXISOME BIOGENESIS DISORDER 9; PEX7-Related Rhizomelic Chondrodysplasia Punctata. Identifiers: Orphanet 177, Orphanet 309789, MedGen C1859133, MONDO:0008972, OMIM 215100. Disease mechanism: loss of function.

Allele frequency attached by ClinVar (database versions not stated): ExAC 0.00002.
gnomAD v4.1: 5 of 1,604,564 alleles (0.00031%); highest among the groups gnomAD compares: South Asian, 0.0011%; no homozygotes.

Submissions (5):

Myriad Genetics, Inc.
Classification: Uncertain significance for Peroxisome biogenesis disorder. Last evaluated: 2026-07-24. Review status: criteria provided, single submitter. Criteria: Myriad Autosomal Dominant, Autosomal Recessive and X-Linked Classification Criteria (2023). Collection method: clinical testing. Allele origin: unknown.
Comment: NM_000288.3(PEX7):c.400G>A(D134N) is a missense variant classified as a variant of uncertain significance in the context of PEX7-related disorders. D134N has been observed in a case with relevant disease (PMID: 11781871). Relevant functional assessments of this variant are available in the literature (PMID: 11781871). D134N has been observed in referenced population frequency databases. In summary, there is insufficient evidence to classify NM_000288.3(PEX7):c.400G>A(D134N) as pathogenic or benign. Please note: this variant was assessed in the context of healthy population screening.

Natera, Inc.
Classification: Likely pathogenic for Rhizomelic Chondrodysplasia Punctata. Last evaluated: 2025-06-30. Review status: criteria provided, single submitter. Criteria: Natera Variant Classification Schema (03/2026). Collection method: clinical testing. Allele origin: germline.
Comment: The c.400G>A variant in PEX7 is a missense variant predicted to cause substitution of aspartic acid to asparagine at amino acid 134. This variant is rare in the general population with a frequency below the threshold expected for the associated phenotype(s). This variant has been observed in one or more individuals affected with the associated recessive disease, as either homozygous or compound heterozygous with a second variant (PMID: 11781871). Functional studies show that this variant may disrupt protein function (PMID: 11781871). Computational prediction algorithms indicate this variant is likely to affect gene or protein function. Given the available evidence, this variant is classified as Likely Pathogenic.

GeneDx
Classification: Pathogenic. Last evaluated: 2023-11-13. Review status: criteria provided, single submitter. Criteria: GeneDx Variant Classification Process June 2021. Collection method: clinical testing. Allele origin: germline. Affected: yes.
Comment: Published functional studies found this variant was associated with impaired PTS2-mediated peroxisomal protein import (PMID: 11781871); Not observed at significant frequency in large population cohorts (gnomAD); In silico analysis supports that this missense variant has a deleterious effect on protein structure/function; This variant is associated with the following publications: (PMID: 31751594, 11781871)

Baylor Genetics
Classification: Likely pathogenic for Peroxisome biogenesis disorder 9B. Last evaluated: 2023-09-07. Review status: criteria provided, single submitter. Criteria: ACMG Guidelines, 2015. Collection method: clinical testing. Allele origin: unknown.

Counsyl
Classification: Likely pathogenic for Rhizomelic chondrodysplasia punctata type 1. Last evaluated: 2014-03-02. Review status: no assertion criteria provided. Collection method: literature only. Allele origin: unknown. Inheritance: Autosomal recessive inheritance. Not counted in ClinVar's aggregate classification.

Literature cited by the submitters: PubMed 11781871 (cited by 3 submitters).

NM_000288.4(PEX7):c.400G>A (p.Asp134Asn)

Gene: PEX7 (peroxisomal biogenesis factor 7; plus strand). Cytogenetic location: 6q23.3.
Variant type: single nucleotide variant.
Coding change: c.400G>A on transcript NM_000288.4 (MANE Select); coding-DNA position 400, G replaced by A.
Protein change: p.Asp134Asn; replaces aspartic acid 134 with asparagine.
Molecular consequence: missense variant.
Genome position (GRCh38, 1-based): chr6:136,845,675, G>A. VCF-style: chr6-136845675-G-A. GRCh37 (hg19) VCF-style: chr6-137166813-G-A.
Other names: short protein forms D134N.
Identifiers: ClinVar variation 188711 (VCV000188711.7), dbSNP rs764346452, ClinGen allele CA273876.